The following is an entry in ClinVar:

ClinVar aggregate classification (germline): Conflicting classifications of pathogenicity. Review status: criteria provided, conflicting classifications (1 of 4 stars). 6 submissions from 6 submitters: Uncertain significance (3); Likely benign (3). Last evaluated 2025-08-28.

Conditions:
Cardiovascular phenotype. Identifiers: MedGen CN230736.
Catecholaminergic polymorphic ventricular tachycardia (CVPT). Also called: Catecholamine-induced polymorphic ventricular tachycardia. Identifiers: Orphanet 3286, MedGen C5574922, MONDO:0017990.
Cardiomyopathy (CMYO). Also called: Cardiomyopathies. Identifiers: Orphanet 167848, MedGen C0878544, MONDO:0004994, HP:0001638. Inheritance: Various modes of inheritance.
Catecholaminergic polymorphic ventricular tachycardia 1. Also called: VENTRICULAR TACHYCARDIA, CATECHOLAMINERGIC POLYMORPHIC, 1, WITH OR WITHOUT ATRIAL DYSFUNCTION AND/OR DILATED CARDIOMYOPATHY; RYR2-Related Catecholaminergic Polymorphic Ventricular Tachycardia; VENTRICULAR TACHYCARDIA, STRESS-INDUCED POLYMORPHIC 1. Identifiers: Orphanet 3286, MedGen C1631597, MONDO:0011484, OMIM 604772.

Allele frequency attached by ClinVar (database versions not stated): ExAC 0.00001; gnomAD 0.00001 and 0.00002; gnomAD exomes 0.00001 and 0.00002; TOPMed 0.00001; ESP Exome Variant Server 0.00008.
gnomAD v4.1: 23 of 1,613,272 alleles (0.0014%); highest among the groups gnomAD compares: East Asian, 0.0045%; no homozygotes.

Submissions (6):

Labcorp Genetics (formerly Invitae), Labcorp
Classification: Uncertain significance for Catecholaminergic polymorphic ventricular tachycardia 1. Last evaluated: 2025-08-28. Review status: criteria provided, single submitter. Criteria: Invitae Variant Classification Sherloc (09022015). Collection method: clinical testing. Allele origin: germline.
Comment: This sequence change falls in intron 98 of the RYR2 gene. It does not directly change the encoded amino acid sequence of the RYR2 protein. It affects a nucleotide within the consensus splice site. This variant is present in population databases (rs376797615, gnomAD 0.006%). This variant has not been reported in the literature in individuals affected with RYR2-related conditions. ClinVar contains an entry for this variant (Variation ID: 840670). Variants that disrupt the consensus splice site are a relatively common cause of aberrant splicing (PMID: 17576681, 9536098). Algorithms developed to predict the effect of sequence changes on RNA splicing suggest that this variant is not likely to affect RNA splicing. In summary, the available evidence is currently insufficient to determine the role of this variant in disease. Therefore, it has been classified as a Variant of Uncertain Significance.

All of Us Research Program, National Institutes of Health
Classification: Likely benign for Catecholaminergic polymorphic ventricular tachycardia. Last evaluated: 2024-01-11. Review status: criteria provided, single submitter. Criteria: ACMG Guidelines, 2015. Collection method: clinical testing. Allele origin: germline. Inheritance: Autosomal dominant inheritance. Observed: 5 variant alleles, 5 heterozygotes.
Comment: This study involves interpretation of variants in research participants for the purpose of population health screening. Participant phenotype was not available at the time of variant classification. Additional details can be found in publication PMID: 35346344, PMCID: PMC8962531

Ambry Genetics
Classification: Uncertain significance for Cardiovascular phenotype. Last evaluated: 2022-03-28. Review status: criteria provided, single submitter. Criteria: Ambry Variant Classification Scheme 2023. Collection method: clinical testing. Allele origin: germline.
Comment: The c.14152-3T>C intronic alteration consists of a T to C substitution 3 nucleotides before exon 99 of the RYR2 gene. Based on insufficient or conflicting evidence, the clinical significance of this alteration remains unclear.

Blueprint Genetics
Classification: Likely benign. Last evaluated: 2021-05-20. Review status: criteria provided, single submitter. Criteria: ACMG Guidelines, 2015. Collection method: clinical testing. Allele origin: germline.

Women's Health and Genetics/Laboratory Corporation of America, LabCorp
Classification: Uncertain significance. Last evaluated: 2019-11-18. Review status: criteria provided, single submitter. Criteria: LabCorp Variant Classification Summary - May 2015. Collection method: clinical testing. Allele origin: germline.
Comment: Variant summary: RYR2 c.14152-3T>C alters a non-conserved nucleotide located close to a canonical splice site and therefore could affect mRNA splicing, leading to a significantly altered protein sequence. 5/5 computational tools predict no significant impact on normal splicing. However, these predictions have yet to be confirmed by functional studies. The variant allele was found at a frequency of 2e-05 in 248706 control chromosomes (gnomAD). The available data on variant occurrences in the general population are insufficient to allow any conclusion about variant significance. To our knowledge, no occurrence of c.14152-3T>C in individuals affected with Arrhythmia and no experimental evidence demonstrating an impact on protein function have been reported. No clinical diagnostic laboratories have submitted clinical-significance assessments for this variant to ClinVar after 2014. Based on the evidence outlined above, the variant was classified as uncertain significance.

Color Diagnostics, LLC DBA Color Health
Classification: Likely benign for Cardiomyopathy. Last evaluated: 2018-12-03. Review status: criteria provided, single submitter. Criteria: ACMG Guidelines, 2015. Collection method: clinical testing. Allele origin: germline.

Literature cited by the submitters: PubMed 17576681 (cited by Labcorp Genetics (formerly Invitae), Labcorp); PubMed 9536098 (cited by Labcorp Genetics (formerly Invitae), Labcorp).

NM_001035.3(RYR2):c.14152-3T>C

Gene: RYR2 (ryanodine receptor 2; plus strand). Cytogenetic location: 1q43.
Variant type: single nucleotide variant.
Coding change: c.14152-3T>C on transcript NM_001035.3 (MANE Select); 3 bases into the intron before coding-DNA position 14152, T replaced by C.
Molecular consequence: intron variant.
Genome position (GRCh38, 1-based): chr1:237,806,134, T>C. VCF-style: chr1-237806134-T-C. GRCh37 (hg19) VCF-style: chr1-237969434-T-C.
Identifiers: ClinVar variation 840670 (VCV000840670.15), dbSNP rs376797615, ClinGen allele CA085602.